The following is an entry in ClinVar:

NM_030665.4(RAI1):c.4795G>C (p.Val1599Leu)

Gene: RAI1 (retinoic acid induced 1; plus strand). Cytogenetic location: 17p11.2.
Variant type: single nucleotide variant.
Coding change: c.4795G>C on transcript NM_030665.4 (MANE Select); coding-DNA position 4795, G replaced by C.
Protein change: p.Val1599Leu; replaces valine 1599 with leucine.
Molecular consequence: missense variant.
Genome position (GRCh38, 1-based): chr17:17,797,743, G>C. VCF-style: chr17-17797743-G-C. GRCh37 (hg19) VCF-style: chr17-17701057-G-C.
Other names: short protein forms V1599L.
Identifiers: ClinVar variation 2015625 (VCV002015625.4), dbSNP rs2032316092, ClinGen allele CA398557504.
Genomic context (GRCh38, chr17:17,797,743, plus strand): 5'-TACATTTCCTCTTGCAAGCGGCTGAGGTCAGACAGCCGGACCCCCGCCTTCTCACCCTTC[G>C]TGCGGGTGGAGAAGCGAGACGCGTTCACCACCATATGCACTGTTGTCAACTCCCCTGGAG-3'
Protein context (NP_109590.3, residues 1589-1609): DSRTPAFSPF[Val1599Leu]RVEKRDAFTT

ClinVar aggregate classification (germline): Uncertain significance (1 of 4 stars; one submission).

Submission:

Labcorp Genetics (formerly Invitae), Labcorp
Classification: Uncertain significance. Last evaluated: 2022-07-09. Review status: criteria provided, single submitter. Criteria: Invitae Variant Classification Sherloc (09022015). Collection method: clinical testing. Allele origin: germline.
Comment: This variant has not been reported in the literature in individuals affected with RAI1-related conditions. Algorithms developed to predict the effect of missense changes on protein structure and function are either unavailable or do not agree on the potential impact of this missense change (SIFT: "Tolerated"; PolyPhen-2: "Possibly Damaging"; Align-GVGD: "Class C0"). In summary, the available evidence is currently insufficient to determine the role of this variant in disease. Therefore, it has been classified as a Variant of Uncertain Significance. This sequence change replaces valine, which is neutral and non-polar, with leucine, which is neutral and non-polar, at codon 1599 of the RAI1 protein (p.Val1599Leu). This variant is not present in population databases (gnomAD no frequency).